The following is an entry in ClinVar:

NM_080680.3(COL11A2):c.4135C>T (p.Arg1379Ter)

Gene: COL11A2 (collagen type XI alpha 2 chain; minus strand). Cytogenetic location: 6p21.32.
Variant type: single nucleotide variant.
Coding change: c.4135C>T on transcript NM_080680.3 (MANE Select); coding-DNA position 4135, C replaced by T.
Protein change: p.Arg1379Ter; replaces arginine 1379 with a stop codon.
Molecular consequence: nonsense.
Genome position (GRCh38, 1-based): chr6:33,167,305, G>A on the plus strand (C>T on the coding strand, the complement: COL11A2 is on the minus strand). VCF-style: chr6-33167305-G-A. GRCh37 (hg19) VCF-style: chr6-33135082-G-A.
Other names: R893*; c.3814C>T, p.Arg1272Ter (NM_080679.3); c.3877C>T, p.Arg1293Ter (NM_080681.3); short protein forms R1272*, R1293*, R1379*.
Identifiers: ClinVar variation 17127 (VCV000017127.22), dbSNP rs121912950, ClinGen allele CA281690.

ClinVar aggregate classification (germline): Pathogenic/Likely pathogenic. Review status: criteria provided, multiple submitters, no conflicts (2 of 4 stars). 9 submissions from 9 submitters: Pathogenic (6); Likely pathogenic (1). 2 of the submissions do not count toward it. Last evaluated 2025-12-03.

Conditions:
COL11A2-related disorder. Also called: COL11A2-related disorders; COL11A2-related condition.
Inborn genetic diseases. Identifiers: MedGen C0950123, MeSH D030342.
Otospondylomegaepiphyseal dysplasia, autosomal dominant (OSMEDA). Also called: COL11A2-Related Stickler Syndrome; Stickler syndrome, type 3; Pierre Robin syndrome with fetal chondrodysplasia. Identifiers: Orphanet 166100, Orphanet 3450, MedGen C1848488, MONDO:0008490, OMIM 184840.
Autosomal dominant nonsyndromic hearing loss 13. Identifiers: Orphanet 90635, MedGen C1866095, MONDO:0011159, OMIM 601868.

gnomAD v4.1: 1 of 1,613,750 alleles (0.000062%); highest among the groups gnomAD compares: South Asian, 0.0011%; no homozygotes.

Submissions (9):

Labcorp Genetics (formerly Invitae), Labcorp
Classification: Pathogenic. Last evaluated: 2025-12-03. Review status: criteria provided, single submitter. Criteria: Invitae Variant Classification Sherloc (09022015). Collection method: clinical testing. Allele origin: germline.
Comment: This sequence change creates a premature translational stop signal (p.Arg1379*) in the COL11A2 gene. RNA analysis indicates that this premature translational stop signal induces altered splicing and likely results in a shortened protein product. This variant is not present in population databases (gnomAD no frequency). This premature translational stop signal has been observed in individual(s) with clinical features of non-ocular Stickler syndrome and deafness (PMID: 15372529, 26969326; internal data). In at least one individual the variant was observed to be de novo. It has also been observed to segregate with disease in related individuals. This variant is also known as Arg1272Stop or Arg893Stop. ClinVar contains an entry for this variant (Variation ID: 17127). Studies have shown that this premature translational stop signal results in skipping of exon 57, but is expected to preserve the integrity of the reading-frame (PMID: 15372529). For these reasons, this variant has been classified as Pathogenic.

GeneDx
Classification: Pathogenic. Last evaluated: 2025-10-22. Review status: criteria provided, single submitter. Criteria: GeneDx Variant Classification Process June 2021. Collection method: clinical testing. Allele origin: germline. Affected: yes.
Comment: Not observed at significant frequency in large population cohorts (gnomAD); Nonsense variant predicted to result in protein truncation or nonsense mediated decay in a gene for which loss of function is a known mechanism of disease; This variant is associated with the following publications: (PMID: 26969326, 25525159, 15372529, 33597575, 34599366)

Ambry Genetics
Classification: Pathogenic for Inborn genetic diseases. Last evaluated: 2025-09-22. Review status: criteria provided, single submitter. Criteria: Ambry Variant Classification Scheme 2023. Collection method: clinical testing. Allele origin: germline.
Comment: The c.4135C>T (p.R1379*) alteration, located in exon 57 (coding exon 57) of the COL11A2 gene, consists of a C to T substitution at nucleotide position 4135. This changes the amino acid from an arginine (R) to a stop codon at amino acid position 1379. Loss-of-function variants are expected to result in loss of function by premature protein truncation or nonsense-mediated mRNA decay. However, RNA studies suggest that this variant results in in-frame skipping of coding exon 57 (Vuoristo, 2004).The exact functional effect of this variant is unknown. This variant was not reported in population-based cohorts in the Genome Aggregation Database (gnomAD). This variant was reported in individual(s) with features consistent with autosomal deafness, sometimes in combination with midface hypoplasia; in at least one individual, it was determined to be de novo, and it segregated with disease in at least one family (Vuoristo, 2004; Lachgar Ruiz, 2023; Wang, 2021; Sloan-Heggen, 2016; external communication). Based on the available evidence, this alteration is classified as pathogenic.

Blueprint Genetics
Classification: Pathogenic for COL11A2-related disorders. Last evaluated: 2022-11-28. Review status: criteria provided, single submitter. Criteria: ACMG Guidelines, 2015. Collection method: clinical testing. Allele origin: germline. Affected: yes. Observed: 1 variant allele.

Institute for Medical Genetics and Human Genetics, Charité - Universitätsmedizin Berlin
Classification: Pathogenic for Otospondylomegaepiphyseal dysplasia, autosomal dominant. Last evaluated: 2022-09-16. Review status: criteria provided, single submitter. Criteria: ACMG Guidelines, 2015. Collection method: clinical testing. Allele origin: germline. Inheritance: Autosomal dominant inheritance. Affected: yes. Observed: 1 heterozygote.

Institute of Medical Genetics and Applied Genomics, University Hospital Tübingen
Classification: Pathogenic. Last evaluated: 2020-10-23. Review status: criteria provided, single submitter. Criteria: ACMG Guidelines, 2015. Collection method: clinical testing. Allele origin: germline. Inheritance: Autosomal unknown. Affected: yes.

Molecular Diagnostics Laboratory, M Health Fairview: University of Minnesota
Classification: Likely pathogenic for Autosomal dominant nonsyndromic hearing loss 13. Last evaluated: 2017-05-05. Review status: criteria provided, single submitter. Criteria: ACMG Guidelines, 2015. Collection method: clinical testing. Allele origin: germline. Affected: yes. Observed: 1 variant allele.

PreventionGenetics, part of Exact Sciences
Classification: Pathogenic for COL11A2-related condition. Last evaluated: 2024-05-31. Review status: no assertion criteria provided. Collection method: clinical testing. Allele origin: germline. Not counted in ClinVar's aggregate classification.
Comment: The COL11A2 c.4135C>T variant is predicted to result in premature protein termination (p.Arg1379*). This variant was reported in the heterozygous state in an individual who underwent genetic testing for hearing loss (P97 in Wang et al. 2021. PubMed ID: 33597575) and in one patient with Stickler syndrome (P40 in Sloan-Heggen et al. 2016. PubMed ID: 26969326). This variant has not been reported in a large population database, indicating this variant is rare. Nonsense variants in COL11A2 are expected to be pathogenic. This variant is interpreted as pathogenic.

OMIM
Classification: Pathogenic for OTOSPONDYLOMEGAEPIPHYSEAL DYSPLASIA, AUTOSOMAL DOMINANT. Last evaluated: 2004-10-01. Review status: no assertion criteria provided. Collection method: literature only. Allele origin: germline. Not counted in ClinVar's aggregate classification.

Literature cited by the submitters: PubMed 15372529 (cited by 4 submitters); PubMed 26969326 (cited by Labcorp Genetics (formerly Invitae), Labcorp and Ambry Genetics); PubMed 33597575 (cited by Ambry Genetics).